The following is an entry in ClinVar:

ClinVar aggregate classification (germline): Likely pathogenic (1 of 4 stars; one submission).

Conditions:
Cerebral cavernous malformation (CCM). Also called: Cerebral cavernous hemangioma (type); Cavernous Hemangioma of Brain; Cerebral cavernous malformations; CAVERNOUS ANGIOMA, FAMILIAL; CAVERNOUS ANGIOMATOUS MALFORMATIONS; CEREBRAL CAPILLARY MALFORMATIONS. Identifiers: Orphanet 221061, MedGen C2919945, MONDO:0000820, OMIM 116860, HP:0033522.

Submission:

MGZ Medical Genetics Center
Classification: Likely pathogenic for Cerebral cavernous malformation. Last evaluated: 2021-08-09. Review status: criteria provided, single submitter. Criteria: ACMG Guidelines, 2015. Collection method: clinical testing. Allele origin: germline. Affected: yes. Observed: 1 variant allele.
Comment: ACMG criteria applied: PVS1, PM2_SUP

NM_194454.3(KRIT1):c.981T>G (p.Tyr327Ter)

Gene: KRIT1 (KRIT1 ankyrin repeat containing; minus strand). Cytogenetic location: 7q21.2.
Variant type: single nucleotide variant.
Coding change: c.981T>G on transcript NM_194454.3 (MANE Select); coding-DNA position 981, T replaced by G.
Protein change: p.Tyr327Ter; replaces tyrosine 327 with a stop codon.
Molecular consequence: nonsense. On other transcripts: intron variant (3).
Genome position (GRCh38, 1-based): chr7:92,234,457, A>C on the plus strand (T>G on the coding strand, the complement: KRIT1 is on the minus strand). VCF-style: chr7-92234457-A-C. GRCh37 (hg19) VCF-style: chr7-91863771-A-C.
Other names: c.981T>G, p.Tyr327Ter (NM_001350687.1, NM_001350688.1, NM_001350689.1 and 26 more transcripts); c.845+351T>G (NM_001350669.1, NM_001013406.2, NM_001350670.1); c.267T>G, p.Tyr89Ter (NM_001350671.1); short protein forms Y327*, Y89*.
Identifiers: ClinVar variation 1709826 (VCV001709826.2), dbSNP rs2536003312, ClinGen allele CA368156705.